The following is an entry in ClinVar:

NM_005267.5(GJA8):c.460C>G (p.His154Asp)

Gene: GJA8 (gap junction protein alpha 8; plus strand). Cytogenetic location: 1q21.2.
Variant type: single nucleotide variant.
Coding change: c.460C>G on transcript NM_005267.5 (MANE Select); coding-DNA position 460, C replaced by G.
Protein change: p.His154Asp; replaces histidine 154 with aspartic acid.
Molecular consequence: missense variant.
Genome position (GRCh38, 1-based): chr1:147,908,415, C>G. VCF-style: chr1-147908415-C-G. GRCh37 (hg19) VCF-style: chr1-147380542-C-G.
Other names: short protein forms H154D.
Identifiers: ClinVar variation 3064206 (VCV003064206.3), dbSNP rs2524891170, ClinGen allele CA342224529.

ClinVar aggregate classification (germline): Uncertain significance. Review status: criteria provided, multiple submitters, no conflicts (2 of 4 stars). 2 submissions from 2 submitters: Uncertain significance (2). Last evaluated 2024-03-17.

Conditions:
Cataract 1 multiple types. Also called: CATARACT, DUFFY-LINKED; CATARACT 1, POSTERIOR SUBCAPSULAR, WITH MICROCORNEA; CATARACT 1, STELLATE NUCLEAR, WITH MICROCORNEA; CATARACT 1 WITH MICROCORNEA; CATARACT 1, NUCLEAR PROGRESSIVE; CATARACT 1, MULTIPLE TYPES, WITH OR WITHOUT MICROCORNEA. Identifiers: Orphanet 1377, MedGen C1861828, MONDO:0007285, OMIM 116200.

Submissions (2):

Genomic Medicine Center of Excellence, King Faisal Specialist Hospital and Research Centre
Classification: Uncertain significance for Cataract 1 multiple types. Last evaluated: 2024-03-17. Review status: criteria provided, single submitter. Criteria: ACMG Guidelines, 2015. Collection method: research. Allele origin: germline.

Dept. Genetics and Cancer, Menzies Institute for Medical Research, University of Tasmania
Classification: Uncertain significance for Cataract 1 multiple types. Last evaluated: 2023-01-21. Review status: criteria provided, single submitter. Criteria: ACMG Guidelines, 2015. Collection method: curation. Allele origin: germline. Affected: yes.
Comment: Variant identified and curated during a GJA8 specific review of the literature in relation to pediatric or congenital cataract. ACMG-AMP criteria applied: PP1(Moderate), PM2(Supporting), PP3. Original variant report: PMID:27878435. Gene review and curation guidelines are outlined in: DOI 10.1080/17469899.2023.2160320

Literature cited by the submitters: PubMed 27878435 (cited by Dept. Genetics and Cancer, Menzies Institute for Medical Research, University of Tasmania).